The following is an entry in ClinVar:

NM_001370259.2(MEN1):c.1441C>T (p.Arg481Trp)

Gene: MEN1 (menin 1; minus strand). Cytogenetic location: 11q13.1.
Variant type: single nucleotide variant.
Coding change: c.1441C>T on transcript NM_001370259.2 (MANE Select); coding-DNA position 1441, C replaced by T.
Protein change: p.Arg481Trp; replaces arginine 481 with tryptophan.
Molecular consequence: missense variant.
Genome position (GRCh38, 1-based): chr11:64,804,726, G>A on the plus strand (C>T on the coding strand, the complement: MEN1 is on the minus strand). VCF-style: chr11-64804726-G-A. GRCh37 (hg19) VCF-style: chr11-64572198-G-A.
Other names: c.1456C>T, p.Arg486Trp (NM_000244.4, NM_001407145.1, NM_130800.3 and 4 more transcripts); c.1567C>T, p.Arg523Trp (NM_001370251.2, NM_001407142.1, NM_001407143.1 and 1 more transcripts); c.1441C>T, p.Arg481Trp (NM_001370260.2, NM_001370261.2, NM_001407146.1 and 2 more transcripts); c.1336C>T, p.Arg446Trp (NM_001370262.2, NM_001370263.2, NM_001407148.1 and 1 more transcripts); c.1582C>T, p.Arg528Trp (NM_001407150.1); c.1462C>T, p.Arg488Trp (NM_001407151.1); c.1276C>T, p.Arg426Trp (NM_001407152.1); short protein forms R481W, R523W, R446W, R486W, R488W, R426W, R528W.
Identifiers: ClinVar variation 2150522 (VCV002150522.7), dbSNP rs2136089894, ClinGen allele CA381179310.

ClinVar aggregate classification (germline): Uncertain significance. Review status: criteria provided, multiple submitters, no conflicts (2 of 4 stars). 3 submissions from 3 submitters: Uncertain significance (3). Last evaluated 2025-08-28.

Conditions:
Multiple endocrine neoplasia, type 1 (MEN1). Also called: MEA I; MEN I; WERMER SYNDROME; Endocrine adenomatosis multiple; MEN 1. Identifiers: Orphanet 652, MedGen C0025267, MeSH D018761, MONDO:0007540, OMIM 131100.
Hereditary cancer-predisposing syndrome. Also called: Neoplastic Syndromes, Hereditary; Hereditary neoplastic syndrome; Hereditary Cancer Syndrome; Tumor predisposition. Identifiers: Orphanet 140162, MedGen C0027672, MeSH D009386, MONDO:0015356.

Submissions (3):

Labcorp Genetics (formerly Invitae), Labcorp
Classification: Uncertain significance for Multiple endocrine neoplasia, type 1. Last evaluated: 2025-08-28. Review status: criteria provided, single submitter. Criteria: Invitae Variant Classification Sherloc (09022015). Collection method: clinical testing. Allele origin: germline.
Comment: This sequence change replaces arginine, which is basic and polar, with tryptophan, which is neutral and slightly polar, at codon 481 of the MEN1 protein (p.Arg481Trp). This variant is not present in population databases (gnomAD no frequency). This variant has not been reported in the literature in individuals affected with MEN1-related conditions. ClinVar contains an entry for this variant (Variation ID: 2150522). Invitae Evidence Modeling of protein sequence and biophysical properties (such as structural, functional, and spatial information, amino acid conservation, physicochemical variation, residue mobility, and thermodynamic stability) indicates that this missense variant is expected to disrupt MEN1 protein function with a positive predictive value of 80%. In summary, the available evidence is currently insufficient to determine the role of this variant in disease. Therefore, it has been classified as a Variant of Uncertain Significance.

Ambry Genetics
Classification: Uncertain significance for Hereditary cancer-predisposing syndrome. Last evaluated: 2023-09-13. Review status: criteria provided, single submitter. Criteria: Ambry Variant Classification Scheme 2023. Collection method: clinical testing. Allele origin: germline.
Comment: The p.R481W variant (also known as c.1441C>T), located in coding exon 9 of the MEN1 gene, results from a C to T substitution at nucleotide position 1441. The arginine at codon 481 is replaced by tryptophan, an amino acid with dissimilar properties. This amino acid position is well conserved in available vertebrate species. In addition, the in silico prediction for this alteration is inconclusive. Since supporting evidence is limited at this time, the clinical significance of this alteration remains unclear.

Baylor Genetics
Classification: Uncertain significance for Multiple Endocrine Neoplasia Type 1. Last evaluated: 2023-07-03. Review status: criteria provided, single submitter. Criteria: ACMG Guidelines, 2015. Collection method: clinical testing. Allele origin: unknown.